The following is an entry in ClinVar:

NM_000321.3(RB1):c.-80G>C

Gene: RB1 (RB transcriptional corepressor 1; plus strand). Cytogenetic location: 13q14.2.
Variant type: single nucleotide variant.
Coding change: c.-80G>C on transcript NM_000321.3 (MANE Select); 80 bases upstream of the start codon, G replaced by C.
Molecular consequence: 5 prime UTR variant.
Genome position (GRCh38, 1-based): chr13:48,303,833, G>C. VCF-style: chr13-48303833-G-C. GRCh37 (hg19) VCF-style: chr13-48877969-G-C.
Other names: c.-80G>C (NM_001407165.1, NM_001407166.1, NM_001407167.1).
Identifiers: ClinVar variation 3666811 (VCV003666811.2).
Genomic context (GRCh38, chr13:48,303,833, plus strand): 5'-CGTCCGGTTTTTCTCAGGGGACGTTGAAATTATTTTTGTAACGGGAGTCGGGAGAGGACG[G>C]GGCGTGCCCCGACGTGCGCGCGCGTCGTCCTCCCCGGCGCTCCTCCACAGCTCGCTGGCT-3'

ClinVar aggregate classification (germline): Uncertain significance (1 of 4 stars; one submission).

Conditions:
Retinoblastoma (RB1). Also called: RETINOBLASTOMA, SOMATIC. Identifiers: Orphanet 790, MedGen C0035335, MeSH D012175, MONDO:0008380, OMIM 180200, HP:0009919. Disease mechanism: loss of function. Inheritance: Both sporadic and heritable forms are tested..

Submission:

Labcorp Genetics (formerly Invitae), Labcorp
Classification: Uncertain significance for Retinoblastoma. Last evaluated: 2024-10-26. Review status: criteria provided, single submitter. Criteria: Invitae Variant Classification Sherloc (09022015). Collection method: clinical testing. Allele origin: germline.
Comment: This variant occurs in a non-coding region of the RB1 gene. It does not change the encoded amino acid sequence of the RB1 protein. This variant is not present in population databases (gnomAD no frequency). This variant has not been reported in the literature in individuals affected with RB1-related conditions. In summary, the available evidence is currently insufficient to determine the role of this variant in disease. Therefore, it has been classified as a Variant of Uncertain Significance.